The following is an entry in ClinVar:

NM_003896.4(ST3GAL5):c.152C>G (p.Thr51Ser)

Gene: ST3GAL5 (ST3 beta-galactoside alpha-2,3-sialyltransferase 5; minus strand). Cytogenetic location: 2p11.2.
Variant type: single nucleotide variant.
Coding change: c.152C>G on transcript NM_003896.4 (MANE Select); coding-DNA position 152, C replaced by G.
Protein change: p.Thr51Ser; replaces threonine 51 with serine.
Molecular consequence: missense variant. On other transcripts: 5 prime UTR variant (5).
Genome position (GRCh38, 1-based): chr2:85,863,416, G>C on the plus strand (C>G on the coding strand, the complement: ST3GAL5 is on the minus strand). VCF-style: chr2-85863416-G-C. GRCh37 (hg19) VCF-style: chr2-86090539-G-C.
Other names: c.83C>G, p.Thr28Ser (NM_001042437.2); c.-410C>G (NM_001354223.2, NM_001354226.2); c.-473C>G (NM_001354224.2); c.68C>G, p.Thr23Ser (NM_001354227.2, NM_001354229.2, NM_001354238.1); c.-850C>G (NM_001354233.2); c.-814C>G (NM_001354234.1); c.152C>G, p.Thr51Ser (NM_001363847.1); short protein forms T28S, T51S, T23S.
Identifiers: ClinVar variation 836135 (VCV000836135.10), dbSNP rs1326738565, ClinGen allele CA347534900.
Genomic context (GRCh38, chr2:85,863,416, plus strand): 5'-ACTTACTTGAGGATGTCTTTTAATAACAAGCTGGGCCTTCTCATCTTGCTTTGAGCTCGG[G>C]TGTACCATTGCAGGGAAGGCCTCGAGCAATCACTTCTCAGTTTCACATAGGTGTACTCAC-3'
Protein context (NP_003887.3, residues 41-61): DCSRPSLQWY[Thr51Ser]RAQSKMRRPS

ClinVar aggregate classification (germline): Uncertain significance (1 of 4 stars; one submission).

Conditions:
GM3 synthase deficiency (SPDRS). Also called: SALT AND PEPPER DEVELOPMENTAL REGRESSION SYNDROME; AMISH INFANTILE EPILEPSY SYNDROME; SALT AND PEPPER MENTAL RETARDATION SYNDROME. Identifiers: Orphanet 171714, Orphanet 370933, MedGen C1836824, MONDO:0018274, OMIM 609056.

Allele frequency attached by ClinVar (database versions not stated): gnomAD exomes below 0.00001.

Submission:

Labcorp Genetics (formerly Invitae), Labcorp
Classification: Uncertain significance for GM3 synthase deficiency. Last evaluated: 2022-08-23. Review status: criteria provided, single submitter. Criteria: Invitae Variant Classification Sherloc (09022015). Collection method: clinical testing. Allele origin: germline.
Comment: This sequence change replaces threonine, which is neutral and polar, with serine, which is neutral and polar, at codon 51 of the ST3GAL5 protein (p.Thr51Ser). This variant is not present in population databases (gnomAD no frequency). This variant has not been reported in the literature in individuals affected with ST3GAL5-related conditions. ClinVar contains an entry for this variant (Variation ID: 836135). Algorithms developed to predict the effect of missense changes on protein structure and function output the following: SIFT: "Tolerated"; PolyPhen-2: "Benign"; Align-GVGD: "Class C0". The serine amino acid residue is found in multiple mammalian species, which suggests that this missense change does not adversely affect protein function. Algorithms developed to predict the effect of sequence changes on RNA splicing suggest that this variant may create or strengthen a splice site. In summary, the available evidence is currently insufficient to determine the role of this variant in disease. Therefore, it has been classified as a Variant of Uncertain Significance.